The following is an entry in ClinVar:

ClinVar aggregate classification (germline): Uncertain significance (1 of 4 stars; one submission).

Submission:

Dasa
Classification: Uncertain significance. Last evaluated: 2025-09-02. Review status: criteria provided, single submitter. Criteria: DASA Assertion Criteria. Collection method: clinical testing. Allele origin: germline.
Comment: NM_001312909.2(FAM111A):c.1168A>G (p.Ile390Val) is a missense variant that results in the substitution of isoleucine with valine. This variant is absent from population databases. The currently available literature and clinical evidence are not sufficient to establish a definitive association between this variant and the reported condition. Therefore, this variant is classified as a variant of uncertain significance.

NM_001312909.2(FAM111A):c.1168A>G (p.Ile390Val)

Gene: FAM111A (FAM111 trypsin like peptidase A; plus strand). Cytogenetic location: 11q12.1.
Variant type: single nucleotide variant.
Coding change: c.1168A>G on transcript NM_001312909.2 (MANE Select); coding-DNA position 1168, A replaced by G.
Protein change: p.Ile390Val; replaces isoleucine 390 with valine.
Molecular consequence: missense variant.
Genome position (GRCh38, 1-based): chr11:59,152,836, A>G. VCF-style: chr11-59152836-A-G. GRCh37 (hg19) VCF-style: chr11-58920309-A-G.
Other names: c.1168A>G, p.Ile390Val (NM_001374851.1, NM_001374852.1, NM_001374853.1 and 29 more transcripts); short protein forms I390V.
Identifiers: ClinVar variation 4882674 (VCV004882674.2).